The following is an entry in ClinVar:

ClinVar aggregate classification (germline): Uncertain significance (1 of 4 stars; one submission).

Allele frequency attached by ClinVar (database versions not stated): TOPMed below 0.00001; gnomAD 0.00001.
gnomAD v4.1: 5 of 1,208,286 alleles (0.00041%); no homozygotes.

Submission:

Labcorp Genetics (formerly Invitae), Labcorp
Classification: Uncertain significance. Last evaluated: 2022-07-13. Review status: criteria provided, single submitter. Criteria: Invitae Variant Classification Sherloc (09022015). Collection method: clinical testing. Allele origin: germline.
Comment: This sequence change replaces asparagine, which is neutral and polar, with aspartic acid, which is acidic and polar, at codon 1317 of the COL4A5 protein (p.Asn1317Asp). This variant is present in population databases (no rsID available, gnomAD 0.03%). This variant has not been reported in the literature in individuals affected with COL4A5-related conditions. Advanced modeling of protein sequence and biophysical properties (such as structural, functional, and spatial information, amino acid conservation, physicochemical variation, residue mobility, and thermodynamic stability) performed at Invitae indicates that this missense variant is not expected to disrupt COL4A5 protein function. In summary, the available evidence is currently insufficient to determine the role of this variant in disease. Therefore, it has been classified as a Variant of Uncertain Significance.

NM_033380.3(COL4A5):c.3967A>G (p.Asn1323Asp)

Gene: COL4A5 (collagen type IV alpha 5 chain; plus strand). Cytogenetic location: Xq22.3.
Variant type: single nucleotide variant.
Coding change: c.3967A>G on transcript NM_033380.3 (MANE Select); coding-DNA position 3967, A replaced by G.
Protein change: p.Asn1323Asp; replaces asparagine 1323 with aspartic acid.
Molecular consequence: missense variant.
Genome position (GRCh38, 1-based): chrX:108,680,703, A>G. VCF-style: chrX-108680703-A-G. GRCh37 (hg19) VCF-style: chrX-107923933-A-G.
Other names: c.3949A>G, p.Asn1317Asp (NM_000495.5); short protein forms N1317D, N1323D.
Identifiers: ClinVar variation 1982106 (VCV001982106.1), dbSNP rs1423552285, ClinGen allele CA413850979.